The following is an entry in ClinVar:

NM_033380.3(COL4A5):c.3508G>T (p.Gly1170Cys)

Gene: COL4A5 (collagen type IV alpha 5 chain; plus strand). Cytogenetic location: Xq22.3.
Variant type: single nucleotide variant.
Coding change: c.3508G>T on transcript NM_033380.3 (MANE Select); coding-DNA position 3508, G replaced by T.
Protein change: p.Gly1170Cys; replaces glycine 1170 with cysteine.
Molecular consequence: missense variant.
Genome position (GRCh38, 1-based): chrX:108,666,549, G>T. VCF-style: chrX-108666549-G-T. GRCh37 (hg19) VCF-style: chrX-107909779-G-T.
Other names: c.3508G>T, p.Gly1170Cys (NM_000495.5); short protein forms G1170C.
Identifiers: ClinVar variation 1502533 (VCV001502533.8), dbSNP rs104886237, ClinGen allele CA413847771.

ClinVar aggregate classification (germline): Pathogenic/Likely pathogenic. Review status: criteria provided, multiple submitters, no conflicts (2 of 4 stars). 2 submissions from 2 submitters: Pathogenic (1); Likely pathogenic (1). Last evaluated 2024-10-15.

Conditions:
X-linked Alport syndrome (ATS1). Also called: COL4A5-Related Nephropathy; NEPHROPATHY AND DEAFNESS, X-LINKED. Identifiers: Orphanet 63, Orphanet 88917, MedGen C4746986, MONDO:0010520, OMIM 301050.

Submissions (2):

Victorian Clinical Genetics Services, Murdoch Childrens Research Institute
Classification: Pathogenic for X-linked Alport syndrome. Last evaluated: 2024-10-15. Review status: criteria provided, single submitter. Criteria: ACMG Guidelines, 2015. Collection method: clinical testing. Allele origin: germline. Affected: yes.
Comment: This variant is classified as Pathogenic. Evidence in support of pathogenic classification: Variant is present in gnomAD <0.001 for a dominant condition (v4: 1 heterozygote(s), 0 homozygote(s), 0 hemizygote(s)); This variant has limited previous evidence of pathogenicity in an unrelated individual(s). This variant has been classified as likely pathogenic by one clinical laboratory in ClinVar; Other missense variant(s) comparable to the one identified in this case have very strong previous evidence for pathogenicity. p.(Gly1170Arg), p.(Gly1170Ser), p.(Gly1170Asp) and p.(Gly1170Val) have been classified as likely pathogenic or pathogenic by multiple clinical laboratories in ClinVar; Variant is located in the well-established triple helical Gly-X-Y repeat region and affects a glycine residue (DECIPHER, PMID: 33854215); Missense variant predicted to be damaging by an in silico tool or highly conserved with a major amino acid change. Additional information: Variant is predicted to result in a missense amino acid change from glycine to cysteine; This variant is heterozygous; This gene is associated with X-linked dominant disease. Males are typically more severely affected than females (PMID: 19965530); An alternative amino acid change at the same position has been observed in gnomAD (v4: 3 heterozygote(s), 0 homozygote(s), 1 hemizygote(s)); No published segregation evidence has been identified for this variant; No published functional evidence has been identified for this variant; Dominant negative and loss of function are known mechanisms of disease in this gene and are associated with X-linked Alport syndrome 1 (MIM#301050). Dominant negative is caused mostly by glycine substitutions that affect the conformation of the protein, and loss of function can be caused by either protein truncating or missense variants (PMID: 24046192, 12028435); Variants in this gene are known to have variable expressivity. There is intrafamilial variability among affected carrier females, possibly due to variable X-inactivation (PMID: 14514738); Inheritance information for this variant is not currently available in this individual.

Labcorp Genetics (formerly Invitae), Labcorp
Classification: Likely pathogenic. Last evaluated: 2021-08-30. Review status: criteria provided, single submitter. Criteria: Invitae Variant Classification Sherloc (09022015). Collection method: clinical testing. Allele origin: germline.
Comment: This variant disrupts the triple helix domain of COL4A5. Glycine residues within the Gly-Xaa-Yaa repeats of the triple helix domain are required for the structure and stability of fibrillar collagens (PMID: 7695699, 8218237, 19344236). In COL4A5, missense variants at these glycine residues are significantly enriched in individuals with disease (PMID: 23720012, 27627812) compared to the general population (ExAC). In summary, the currently available evidence indicates that the variant is pathogenic, but additional data are needed to prove that conclusively. Therefore, this variant has been classified as Likely Pathogenic. This variant disrupts the p.Gly1170 amino acid residue in COL4A5. Other variant(s) that disrupt this residue have been observed in individuals with COL4A5-related conditions (PMID: 28542346, 30577881), which suggests that this may be a clinically significant amino acid residue. Advanced modeling of protein sequence and biophysical properties (such as structural, functional, and spatial information, amino acid conservation, physicochemical variation, residue mobility, and thermodynamic stability) performed at Invitae indicates that this missense variant is expected to disrupt COL4A5 protein function. This variant has not been reported in the literature in individuals affected with COL4A5-related conditions. This variant is not present in population databases (ExAC no frequency). This sequence change replaces glycine with cysteine at codon 1170 of the COL4A5 protein (p.Gly1170Cys). The glycine residue is highly conserved and there is a large physicochemical difference between glycine and cysteine.

Literature cited by the submitters: PubMed 24046192 (cited by Victorian Clinical Genetics Services, Murdoch Childrens Research Institute); PubMed 33854215 (cited by Victorian Clinical Genetics Services, Murdoch Childrens Research Institute); PubMed 12028435 (cited by Victorian Clinical Genetics Services, Murdoch Childrens Research Institute); PubMed 14514738 (cited by Victorian Clinical Genetics Services, Murdoch Childrens Research Institute); PubMed 19965530 (cited by Victorian Clinical Genetics Services, Murdoch Childrens Research Institute); PubMed 7695699 (cited by Labcorp Genetics (formerly Invitae), Labcorp); PubMed 8218237 (cited by Labcorp Genetics (formerly Invitae), Labcorp); PubMed 19344236 (cited by Labcorp Genetics (formerly Invitae), Labcorp); PubMed 23720012 (cited by Labcorp Genetics (formerly Invitae), Labcorp); PubMed 27627812 (cited by Labcorp Genetics (formerly Invitae), Labcorp); PubMed 28542346 (cited by Labcorp Genetics (formerly Invitae), Labcorp); PubMed 30577881 (cited by Labcorp Genetics (formerly Invitae), Labcorp).